The following is an entry in ClinVar:

ClinVar aggregate classification (germline): Uncertain significance (1 of 4 stars; one submission).

Allele frequency attached by ClinVar (database versions not stated): gnomAD exomes below 0.00001; ExAC 0.00001.
gnomAD v4.1: 1 of 1,614,018 alleles (0.000062%); highest among the groups gnomAD compares: South Asian, 0.0011%; no homozygotes.

Submission:

Labcorp Genetics (formerly Invitae), Labcorp
Classification: Uncertain significance. Last evaluated: 2022-02-10. Review status: criteria provided, single submitter. Criteria: Invitae Variant Classification Sherloc (09022015). Collection method: clinical testing. Allele origin: germline.
Comment: In summary, the available evidence is currently insufficient to determine the role of this variant in disease. Therefore, it has been classified as a Variant of Uncertain Significance. Algorithms developed to predict the effect of missense changes on protein structure and function (SIFT, PolyPhen-2, Align-GVGD) all suggest that this variant is likely to be tolerated. ClinVar contains an entry for this variant (Variation ID: 1016347). This variant has not been reported in the literature in individuals affected with PDE6A-related conditions. This variant is present in population databases (rs779057640, gnomAD 0.003%). This sequence change replaces alanine, which is neutral and non-polar, with serine, which is neutral and polar, at codon 42 of the PDE6A protein (p.Ala42Ser).

NM_000440.3(PDE6A):c.124G>T (p.Ala42Ser)

Gene: PDE6A (phosphodiesterase 6A; minus strand). Cytogenetic location: 5q32.
Variant type: single nucleotide variant.
Coding change: c.124G>T on transcript NM_000440.3 (MANE Select); coding-DNA position 124, G replaced by T.
Protein change: p.Ala42Ser; replaces alanine 42 with serine.
Molecular consequence: missense variant.
Genome position (GRCh38, 1-based): chr5:149,944,550, C>A on the plus strand (G>T on the coding strand, the complement: PDE6A is on the minus strand). VCF-style: chr5-149944550-C-A. GRCh37 (hg19) VCF-style: chr5-149324113-C-A.
Other names: short protein forms A42S.
Identifiers: ClinVar variation 1016347 (VCV001016347.8), dbSNP rs779057640, ClinGen allele CA3505140.
Genomic context (GRCh38, chr5:149,944,550, plus strand): 5'-AGATGATTTCGCTCTCCTCCATGCTGCTCGGGGAGTGGTAGTTGCTGAAGTCCACGGCAG[C>A]CTCCTTGGCCCCAAGGAGGTCGGAGATGAGCTTGGCCCGGTAGTGGAGGTTGTAGTACTG-3'
Protein context (NP_000431.2, residues 32-52): LISDLLGAKE[Ala42Ser]AVDFSNYHSP